The following is an entry in ClinVar:

ClinVar aggregate classification (germline): Conflicting classifications of pathogenicity. Review status: criteria provided, conflicting classifications (1 of 4 stars). 3 submissions from 3 submitters: Uncertain significance (1); Likely benign (1). 1 of the submissions does not count toward it. Last evaluated 2025-02-01.

Conditions:
Van der Woude syndrome 2 (VWS2). Identifiers: Orphanet 888, MedGen C1847604, MONDO:0011712, OMIM 606713.
GRHL3-related disorder. Also called: GRHL3-related condition.

Allele frequency attached by ClinVar (database versions not stated): gnomAD 0.00003; TOPMed 0.00004; ESP Exome Variant Server 0.00008.
gnomAD v4.1: 58 of 1,613,990 alleles (0.0036%); highest among the groups gnomAD compares: East Asian, 0.011%; no homozygotes.

Submissions (3):

CeGaT Center for Human Genetics Tuebingen
Classification: Likely benign. Last evaluated: 2025-02-01. Review status: criteria provided, single submitter. Criteria: CeGaT Center For Human Genetics Tuebingen Variant Classification Criteria Version 2. Collection method: clinical testing. Allele origin: germline. Affected: yes. Observed: 1 variant allele.
Comment: GRHL3: BP4

Labcorp Genetics (formerly Invitae), Labcorp
Classification: Uncertain significance for Van der Woude syndrome 2. Last evaluated: 2023-06-15. Review status: criteria provided, single submitter. Criteria: Invitae Variant Classification Sherloc (09022015). Collection method: clinical testing. Allele origin: germline.
Comment: In summary, the available evidence is currently insufficient to determine the role of this variant in disease. Therefore, it has been classified as a Variant of Uncertain Significance. Algorithms developed to predict the effect of missense changes on protein structure and function output the following: SIFT: "Not Available"; PolyPhen-2: "Benign"; Align-GVGD: "Not Available". The serine amino acid residue is found in multiple mammalian species, which suggests that this missense change does not adversely affect protein function. This variant has not been reported in the literature in individuals affected with GRHL3-related conditions. This variant is present in population databases (rs371889064, gnomAD 0.02%). This sequence change replaces glycine, which is neutral and non-polar, with serine, which is neutral and polar, at codon 158 of the GRHL3 protein (p.Gly158Ser).

PreventionGenetics, part of Exact Sciences
Classification: Uncertain significance for GRHL3-related condition. Last evaluated: 2024-06-02. Review status: no assertion criteria provided. Collection method: clinical testing. Allele origin: germline. Not counted in ClinVar's aggregate classification.
Comment: The GRHL3 c.472G>A variant is predicted to result in the amino acid substitution p.Gly158Ser. To our knowledge, this variant has not been reported in the literature. This variant is reported in 0.015% of alleles in individuals of East Asian descent in gnomAD. Although we suspect that this variant may be benign, at this time, the clinical significance of this variant is uncertain due to the absence of conclusive functional and genetic evidence.

NM_198173.3(GRHL3):c.472G>A (p.Gly158Ser)

Gene: GRHL3 (grainyhead like transcription factor 3; plus strand). Cytogenetic location: 1p36.11.
Variant type: single nucleotide variant.
Coding change: c.472G>A on transcript NM_198173.3 (MANE Select); coding-DNA position 472, G replaced by A.
Protein change: p.Gly158Ser; replaces glycine 158 with serine.
Molecular consequence: missense variant.
Genome position (GRCh38, 1-based): chr1:24,336,687, G>A. VCF-style: chr1-24336687-G-A. GRCh37 (hg19) VCF-style: chr1-24663177-G-A.
Other names: c.472G>A (NM_198173.2); c.334G>A, p.Gly112Ser (NM_001195010.2); c.487G>A, p.Gly163Ser (NM_021180.4); c.472G>A, p.Gly158Ser (NM_198174.3); short protein forms G158S, G112S, G163S.
Identifiers: ClinVar variation 2987893 (VCV002987893.17), dbSNP rs371889064, ClinGen allele CA689904.